The following is an entry in ClinVar:

ClinVar aggregate classification (germline): Uncertain significance (1 of 4 stars; one submission).

Conditions:
Hereditary cancer-predisposing syndrome. Also called: Tumor predisposition; Neoplastic Syndromes, Hereditary; Hereditary neoplastic syndrome; Hereditary Cancer Syndrome. Identifiers: Orphanet 140162, MedGen C0027672, MeSH D009386, MONDO:0015356.

Submission:

Ambry Genetics
Classification: Uncertain significance for Hereditary cancer-predisposing syndrome. Last evaluated: 2025-08-27. Review status: criteria provided, single submitter. Criteria: Ambry Variant Classification Scheme 2023. Collection method: clinical testing. Allele origin: germline.
Comment: The p.V528L variant (also known as c.1582G>C), located in coding exon 16 of the MUTYH gene, results from a G to C substitution at nucleotide position 1582. The valine at codon 528 is replaced by leucine, an amino acid with highly similar properties. This amino acid position is conserved. In addition, this alteration is predicted to be tolerated by in silico analysis. Based on the available evidence, the clinical significance of this variant remains unclear.

NM_001048174.2(MUTYH):c.1498G>C (p.Val500Leu)

Gene: MUTYH (mutY DNA glycosylase; minus strand). Cytogenetic location: 1p34.1.
Variant type: single nucleotide variant.
Coding change: c.1498G>C on transcript NM_001048174.2 (MANE Select); coding-DNA position 1498, G replaced by C.
Protein change: p.Val500Leu; replaces valine 500 with leucine.
Molecular consequence: missense variant. On other transcripts: non-coding transcript variant (7).
Genome position (GRCh38, 1-based): chr1:45,329,374, C>G on the plus strand (G>C on the coding strand, the complement: MUTYH is on the minus strand). VCF-style: chr1-45329374-C-G. GRCh37 (hg19) VCF-style: chr1-45795046-C-G.
Other names: c.1498G>C, p.Val500Leu (NM_001048171.2, NM_001048173.2, NM_001293195.2 and 6 more transcripts); c.1501G>C, p.Val501Leu (NM_001048172.2, NM_001407071.1, NM_001407078.1 and 1 more transcripts); c.1582G>C, p.Val528Leu (NM_001128425.2); c.1543G>C, p.Val515Leu (NM_001293190.2); c.1531G>C, p.Val511Leu (NM_001293191.2, NM_001407069.1, NM_001407077.1); c.1222G>C, p.Val408Leu (NM_001293192.2, NM_001293196.2, NM_001407091.1); c.1153G>C, p.Val385Leu (NM_001350650.2, NM_001350651.2, NM_001407082.1); c.1414G>C, p.Val472Leu (NM_001407075.1); and 5 more; short protein forms V507L, V525L, V385L, V487L, V500L, V514L, V408L, V472L.
Identifiers: ClinVar variation 4113395 (VCV004113395.1).